The following is an entry in ClinVar:

NM_001378183.1(PIEZO2):c.7049T>C (p.Val2350Ala)

Gene: PIEZO2 (piezo type mechanosensitive ion channel component 2; minus strand). Cytogenetic location: 18p11.22.
Variant type: single nucleotide variant.
Coding change: c.7049T>C on transcript NM_001378183.1 (MANE Select); coding-DNA position 7049, T replaced by C.
Protein change: p.Val2350Ala; replaces valine 2350 with alanine.
Molecular consequence: missense variant.
Genome position (GRCh38, 1-based): chr18:10,696,215, A>G on the plus strand (T>C on the coding strand, the complement: PIEZO2 is on the minus strand). VCF-style: chr18-10696215-A-G. GRCh37 (hg19) VCF-style: chr18-10696213-A-G.
Other names: c.6785T>C, p.Val2262Ala (NM_001410871.1); c.6710T>C, p.Val2237Ala (NM_022068.4); short protein forms V2237A, V2262A, V2350A.
Identifiers: ClinVar variation 3340988 (VCV003340988.1).
Genomic context (GRCh38, chr18:10,696,215, plus strand): 5'-AGTACAGTCTTCCTGAGGTAGAGGGCTCGGTCCACCACCATGGTTCCAAACTGAATGAGG[A>G]CCATCACCAAAAACGGCCCCGGGACCTGGTCCTCTGACAGTGAAGAGGTGATGTCTGCAG-3'
Protein context (NP_001365112.1, residues 2340-2360): DQVPGPFLVM[Val2350Ala]LIQFGTMVVD

ClinVar aggregate classification (germline): Likely pathogenic (1 of 4 stars; one submission).

Submission:

GeneDx
Classification: Likely pathogenic. Last evaluated: 2024-03-10. Review status: criteria provided, single submitter. Criteria: GeneDx Variant Classification Process June 2021. Collection method: clinical testing. Allele origin: germline. Affected: yes.
Comment: Not observed at significant frequency in large population cohorts (gnomAD); In silico analysis supports that this missense variant has a deleterious effect on protein structure/function; Has not been previously published as pathogenic or benign to our knowledge